The following is an entry in ClinVar:

ClinVar aggregate classification (germline): Conflicting classifications of pathogenicity. Review status: criteria provided, conflicting classifications (1 of 4 stars). 5 submissions from 5 submitters: Uncertain significance (2); Likely benign (3). Last evaluated 2026-01-26.

Conditions:
CACNA1H-related disorder.
Hyperaldosteronism, familial, type IV (HALD4). Also called: FH IV; ALDOSTERONISM, PRIMARY, AND HYPERTENSION. Identifiers: Orphanet 642671, MedGen C4310756, MONDO:0014875, OMIM 617027.
Idiopathic generalized epilepsy. Also called: Generalised epilepsy; EIG. Identifiers: MedGen C0270850, MONDO:0005579, OMIM 600669.
Inborn genetic diseases. Identifiers: MedGen C0950123, MeSH D030342.

Allele frequency attached by ClinVar (database versions not stated): 1000 Genomes Project 0.00020; 1000 Genomes Project 30x 0.00031; ESP Exome Variant Server 0.00032; gnomAD 0.00035 and 0.00036; gnomAD exomes 0.00035 and 0.00064; TOPMed 0.00036; ExAC 0.00062.
gnomAD v4.1: 962 of 1,596,506 alleles (0.06%); highest among the groups gnomAD compares: Non-Finnish European, 0.077%; no homozygotes.

Submissions (5):

Labcorp Genetics (formerly Invitae), Labcorp
Classification: Likely benign for Idiopathic generalized epilepsy; Hyperaldosteronism, familial, type IV. Last evaluated: 2026-01-26. Review status: criteria provided, single submitter. Criteria: Invitae Variant Classification Sherloc (09022015). Collection method: clinical testing. Allele origin: germline.

Blueprint Genetics
Classification: Likely benign. Last evaluated: 2024-10-17. Review status: criteria provided, single submitter. Criteria: ACMG Guidelines, 2015. Collection method: clinical testing. Allele origin: germline.

PreventionGenetics, part of Exact Sciences
Classification: Uncertain significance for CACNA1H-related condition. Last evaluated: 2023-04-24. Review status: criteria provided, single submitter. Criteria: ACMG Guidelines, 2015. Collection method: clinical testing. Allele origin: germline.
Comment: The CACNA1H c.809A>C variant is predicted to result in the amino acid substitution p.Asn270Thr. To our knowledge, this variant has not been reported in the literature. This variant is reported in 0.068% of alleles in individuals of European (Non-Finnish) descent in gnomAD. Although we suspect that this variant may be benign, at this time, the clinical significance of this variant is uncertain due to the absence of conclusive functional and genetic evidence.

Ambry Genetics
Classification: Uncertain significance for Inborn genetic diseases. Last evaluated: 2021-06-22. Review status: criteria provided, single submitter. Criteria: Ambry Variant Classification Scheme 2023. Collection method: clinical testing. Allele origin: germline.

Breakthrough Genomics
Classification: Likely benign. Review status: criteria provided, single submitter. Criteria: ACMG Guidelines, 2015. Collection method: not provided. Allele origin: germline. Inheritance: Autosomal dominant inheritance. Affected: yes.

NM_021098.3(CACNA1H):c.809A>C (p.Asn270Thr)

Gene: CACNA1H (calcium voltage-gated channel subunit alpha1 H; plus strand). Cytogenetic location: 16p13.3.
Variant type: single nucleotide variant.
Coding change: c.809A>C on transcript NM_021098.3 (MANE Select); coding-DNA position 809, A replaced by C.
Protein change: p.Asn270Thr; replaces asparagine 270 with threonine.
Molecular consequence: missense variant.
Genome position (GRCh38, 1-based): chr16:1,200,261, A>C. VCF-style: chr16-1200261-A-C. GRCh37 (hg19) VCF-style: chr16-1250261-A-C.
Other names: c.809A>C, p.Asn270Thr (NM_001005407.2); short protein forms N270T.
Identifiers: ClinVar variation 460189 (VCV000460189.15), dbSNP rs200520956, ClinGen allele CA7799670.
Genomic context (GRCh38, chr16:1,200,261, plus strand): 5'-CTGACCGTCCCTGACCCTGATTGTACCTTTTGGCCCTGGCTGTGCCCATCCCCAGGAACA[A>C]CAACCTGACCTTCCTGCGGCCGTACTACCAGACGGAGGAGGGCGAGGAGAACCCGTTCAT-3'
Protein context (NP_066921.2, residues 260-280): CFLDSAFVRN[Asn270Thr]NLTFLRPYYQ